The following is an entry in ClinVar:

ClinVar aggregate classification (germline): Uncertain significance. Review status: criteria provided, multiple submitters, no conflicts (2 of 4 stars). 2 submissions from 2 submitters: Uncertain significance (2). Last evaluated 2024-05-06.

Conditions:
RASopathy. Also called: Noonan spectrum disorder; rasopathies. Identifiers: Orphanet 536391, MedGen C5555857, MONDO:0021060.
Cardiovascular phenotype. Identifiers: MedGen CN230736.

Submissions (2):

Labcorp Genetics (formerly Invitae), Labcorp
Classification: Uncertain significance for RASopathy. Last evaluated: 2024-05-06. Review status: criteria provided, single submitter. Criteria: Invitae Variant Classification Sherloc (09022015). Collection method: clinical testing. Allele origin: germline.
Comment: This sequence change replaces serine, which is neutral and polar, with arginine, which is basic and polar, at codon 1071 of the SOS1 protein (p.Ser1071Arg). This variant is not present in population databases (gnomAD no frequency). This variant has not been reported in the literature in individuals affected with SOS1-related conditions. Advanced modeling of protein sequence and biophysical properties (such as structural, functional, and spatial information, amino acid conservation, physicochemical variation, residue mobility, and thermodynamic stability) has been performed at Invitae for this missense variant, however the output from this modeling did not meet the statistical confidence thresholds required to predict the impact of this variant on SOS1 protein function. In summary, the available evidence is currently insufficient to determine the role of this variant in disease. Therefore, it has been classified as a Variant of Uncertain Significance.

Ambry Genetics
Classification: Uncertain significance for Cardiovascular phenotype. Last evaluated: 2024-02-17. Review status: criteria provided, single submitter. Criteria: Ambry Variant Classification Scheme 2023. Collection method: clinical testing. Allele origin: germline.
Comment: The p.S1071R variant (also known as c.3213T>A), located in coding exon 20 of the SOS1 gene, results from a T to A substitution at nucleotide position 3213. The serine at codon 1071 is replaced by arginine, an amino acid with dissimilar properties. This amino acid position is conserved. In addition, this alteration is predicted to be tolerated by in silico analysis. Based on the available evidence, the clinical significance of this alteration remains unclear.

NM_005633.4(SOS1):c.3213T>A (p.Ser1071Arg)

Gene: SOS1 (SOS Ras/Rac guanine nucleotide exchange factor 1; minus strand). Cytogenetic location: 2p22.1.
Variant type: single nucleotide variant.
Coding change: c.3213T>A on transcript NM_005633.4 (MANE Select); coding-DNA position 3213, T replaced by A.
Protein change: p.Ser1071Arg; replaces serine 1071 with arginine.
Molecular consequence: missense variant.
Genome position (GRCh38, 1-based): chr2:38,995,256, A>T on the plus strand (T>A on the coding strand, the complement: SOS1 is on the minus strand). VCF-style: chr2-38995256-A-T. GRCh37 (hg19) VCF-style: chr2-39222397-A-T.
Other names: c.3192T>A, p.Ser1064Arg (NM_001382394.1); c.3213T>A, p.Ser1071Arg (NM_001382395.1); short protein forms S1064R, S1071R.
Identifiers: ClinVar variation 3224890 (VCV003224890.3), dbSNP rs945325175, ClinGen allele CA45646080.